The following is an entry in ClinVar:

NM_005476.7(GNE):c.301C>T (p.Arg101Cys)

Gene: GNE (glucosamine (UDP-N-acetyl)-2-epimerase/N-acetylmannosamine kinase; minus strand). Cytogenetic location: 9p13.3.
Variant type: single nucleotide variant.
Coding change: c.301C>T on transcript NM_005476.7 (MANE Select); coding-DNA position 301, C replaced by T.
Protein change: p.Arg101Cys; replaces arginine 101 with cysteine.
Molecular consequence: missense variant.
Genome position (GRCh38, 1-based): chr9:36,246,346, G>A on the plus strand (C>T on the coding strand, the complement: GNE is on the minus strand). VCF-style: chr9-36246346-G-A. GRCh37 (hg19) VCF-style: chr9-36246343-G-A.
Other names: c.394C>T, p.Arg132Cys (NM_001128227.3); c.301C>T, p.Arg101Cys (NM_001190383.3, NM_001374797.1); c.124C>T, p.Arg42Cys (NM_001190384.3, NM_001190388.2, NM_001374798.1); short protein forms R101C, R132C, R42C.
Identifiers: ClinVar variation 554909 (VCV000554909.14), dbSNP rs148523065, ClinGen allele CA5056739.

ClinVar aggregate classification (germline): Conflicting classifications of pathogenicity. Review status: criteria provided, conflicting classifications (1 of 4 stars). 6 submissions from 6 submitters: Likely pathogenic (4); Uncertain significance (1). 1 of the submissions does not count toward it. Last evaluated 2026-03-27.

Conditions:
Sialuria. Also called: Sialic Acid Storage Disease; SIALURIA, FRENCH TYPE. Identifiers: Orphanet 3166, MedGen C0342853, MONDO:0010028, OMIM 269921.
GNE myopathy (NM). Also called: MYOPATHY, DISTAL, WITH OR WITHOUT RIMMED VACUOLES; INCLUSION BODY MYOPATHY, HEREDITARY, AUTOSOMAL RECESSIVE; INCLUSION BODY MYOPATHY 2, AUTOSOMAL RECESSIVE; IBM 2; Inclusion body myopathy autosomal recessive; Inclusion body myopathy quadriceps sparing. Identifiers: Orphanet 602, MedGen C1853926, MONDO:0011603, OMIM 605820.

Allele frequency attached by ClinVar (database versions not stated): gnomAD 0.00001; gnomAD exomes 0.00001; TOPMed 0.00001; ExAC 0.00002; ESP Exome Variant Server 0.00008.
gnomAD v4.1: 12 of 1,613,952 alleles (0.00074%); highest among the groups gnomAD compares: South Asian, 0.0011%; no homozygotes.

Submissions (6):

Myriad Genetics, Inc.
Classification: Uncertain significance for GNE myopathy. Last evaluated: 2026-03-27. Review status: criteria provided, single submitter. Criteria: Myriad Autosomal Dominant, Autosomal Recessive and X-Linked Classification Criteria (2023). Collection method: clinical testing. Allele origin: unknown.
Comment: NM_001128227.2(GNE):c.394C>T(R132C) is a missense variant classified as a variant of uncertain significance in the context of GNE myopathy. R132C has been observed in cases with relevant disease (PMID: 22883483, 28099567). Relevant functional assessments of this variant are not available in the literature. R132C has been observed in referenced population frequency databases. In summary, there is insufficient evidence to classify NM_001128227.2(GNE):c.394C>T(R132C) as pathogenic or benign. Please note: this variant was assessed in the context of healthy population screening.

Natera, Inc.
Classification: Likely pathogenic for Nonaka myopathy. Last evaluated: 2025-04-13. Review status: criteria provided, single submitter. Criteria: Natera Variant Classification Schema (03/2026). Collection method: clinical testing. Allele origin: germline.
Comment: The c.394C>T variant in GNE is a missense variant predicted to cause substitution of arginine to cysteine at amino acid 132. This variant is rare in the general population with a frequency below the threshold expected for the associated phenotype(s). This variant has been observed in one or more individuals affected with the associated recessive disease, as either homozygous or compound heterozygous with a second variant (PMID: 22883483). A different variant at the same position has been determined to be Pathogenic or Likely Pathogenic. Computational prediction algorithms indicate this variant is likely to affect gene or protein function. Given the available evidence, this variant is classified as Likely Pathogenic.

Revvity Omics, Revvity
Classification: Likely pathogenic. Last evaluated: 2025-03-28. Review status: criteria provided, single submitter. Criteria: ACMG Guidelines, 2015. Collection method: clinical testing. Allele origin: germline.

Baylor Genetics
Classification: Likely pathogenic for GNE myopathy. Last evaluated: 2024-03-02. Review status: criteria provided, single submitter. Criteria: ACMG Guidelines, 2015. Collection method: clinical testing. Allele origin: unknown.

Labcorp Genetics (formerly Invitae), Labcorp
Classification: Likely pathogenic for Sialuria; GNE myopathy. Last evaluated: 2024-01-03. Review status: criteria provided, single submitter. Criteria: Invitae Variant Classification Sherloc (09022015). Collection method: clinical testing. Allele origin: germline.
Comment: This sequence change replaces arginine, which is basic and polar, with cysteine, which is neutral and slightly polar, at codon 132 of the GNE protein (p.Arg132Cys). This variant is present in population databases (rs148523065, gnomAD 0.006%). This missense change has been observed in individuals with distal myopathy (PMID: 22883483, 28099567). This variant is also known as R101C. ClinVar contains an entry for this variant (Variation ID: 554909). Advanced modeling of protein sequence and biophysical properties (such as structural, functional, and spatial information, amino acid conservation, physicochemical variation, residue mobility, and thermodynamic stability) has been performed at Invitae for this missense variant, however the output from this modeling did not meet the statistical confidence thresholds required to predict the impact of this variant on GNE protein function. This variant disrupts the p.Arg132 amino acid residue in GNE. Other variant(s) that disrupt this residue have been determined to be pathogenic (PMID: 22855677, 31286697). This suggests that this residue is clinically significant, and that variants that disrupt this residue are likely to be disease-causing. In summary, the currently available evidence indicates that the variant is pathogenic, but additional data are needed to prove that conclusively. Therefore, this variant has been classified as Likely Pathogenic.

Counsyl
Classification: Uncertain significance for GNE myopathy. Last evaluated: 2017-11-08. Review status: no assertion criteria provided. Collection method: clinical testing. Allele origin: unknown. Not counted in ClinVar's aggregate classification.

Literature cited by the submitters: PubMed 22883483 (cited by 4 submitters); PubMed 28099567 (cited by Myriad Genetics, Inc. and Labcorp Genetics (formerly Invitae), Labcorp); PubMed 22855677 (cited by Labcorp Genetics (formerly Invitae), Labcorp); PubMed 31286697 (cited by Labcorp Genetics (formerly Invitae), Labcorp).